The following is an entry in ClinVar:

NM_014625.4(NPHS2):c.122_135dup (p.Ser46fs)

Gene: NPHS2 (NPHS2 stomatin family member, podocin; minus strand). Cytogenetic location: 1q25.2.
Variant type: Duplication.
Coding change: c.122_135dup on transcript NM_014625.4 (MANE Select); coding-DNA positions 122 to 135, 14 bases duplicated (CTGGGCCCGAGCCG).
Protein change: p.Ser46fs; shifts the reading frame from serine 46.
Molecular consequence: frameshift variant.
Genome position (GRCh38, 1-based): chr1:179,575,730-179,575,743, CGGCTCGGGCCCAG duplicated on the plus strand (CTGGGCCCGAGCCG on the coding strand, the reverse complement: NPHS2 is on the minus strand); duplicating any 14 consecutive bases within chr1:179,575,730-179,575,744 gives the same sequence; the c. name uses the placement nearest the transcript's 3' end. VCF-style (leftmost placement, unchanged base first): chr1-179575729-A-ACGGCTCGGGCCCAG. GRCh37 (hg19) VCF-style: chr1-179544864-A-ACGGCTCGGGCCCAG.
Other names: c.122_135dupCTGGGCCCGAGCCG (NM_014625.4); c.122_135dup, p.Ser46fs (NM_001297575.2); short protein forms S46fs.
Identifiers: ClinVar variation 2504588 (VCV002504588.2), dbSNP rs2526378772, ClinGen allele CA2580611213.

ClinVar aggregate classification (germline): Likely pathogenic. Review status: criteria provided, multiple submitters, no conflicts (2 of 4 stars). 2 submissions from 2 submitters: Likely pathogenic (2).

Conditions:
Nephrotic syndrome, type 2 (NPHS2). Also called: NEPHROTIC SYNDROME, STEROID-RESISTANT, AUTOSOMAL RECESSIVE. Identifiers: Orphanet 656, MedGen C1868672, MONDO:0010974, OMIM 600995.

Submissions (2):

Lifecell International Pvt. Ltd
Classification: Likely pathogenic for Nephrotic syndrome, type 2. Review status: criteria provided, single submitter. Criteria: ACMG Guidelines, 2015. Collection method: clinical testing. Allele origin: germline. Inheritance: Autosomal recessive inheritance. Affected: yes. Observed: 1 homozygote.
Comment: A Homozygote Frameshift variant c.122_135dupCTGGGCCCGAGCCG in Exon 1 of the NPHS2 gene that results in the amino acid substitution p.Ser46fs*58 was identified. The observed variant is novel in gnomAD exomes and genomes. The severity of the impact of this variant on the protein is high, based on the effect of the protein and REVEL score . Rare Exome Variant Ensemble Learner (REVEL) is an ensembl method for predicting the pathogenicity of missense variants based on a combination of scores from 13 individual tools: MutPred, FATHMM v2.3, VEST 3.0, PolyPhen-2, SIFT, PROVEAN, MutationAssessor, MutationTaster, LRT, GERP++, SiPhy, phyloP, and phastCons. The REVEL score for an individual missense variant can range from 0 to 1, with higher scores reflecting greater likelihood that the variant is disease-causing. For these reasons this variant has been classified as Likely Pathogenic.

Neuberg Centre For Genomic Medicine, NCGM
Classification: Likely pathogenic for Nephrotic syndrome, type 2. Review status: criteria provided, single submitter. Criteria: ACMG Guidelines, 2015. Collection method: clinical testing. Allele origin: germline. Inheritance: Autosomal recessive inheritance. Affected: yes.
Comment: The frame shift (c.122_135dup) variant has not been reported previously as a pathogenic variant nor as a benign variant, to our knowledge. This variant has not been reported to the ClinVar database. The p.Ser46LeufsTer58 variant is novel (not in any individuals) in gnomAD Exomes and 1000 Genomes. This variant causes a frameshift starting with codon Serine 46, changes this amino acid to Leucine residue, and creates a premature Stop codon at position 58 of the new reading frame, denoted p.Ser46LeufsTer58. This variant is predicted to cause loss of normal protein function through protein truncation. Loss of function variants have been previously reported to be disease causing. For these reasons, this variant has been classified as Likely Pathogenic (VUS).